The following is an entry in ClinVar:

NM_000628.5(IL10RB):c.970C>T (p.Gln324Ter)

Genes: IFNAR2-IL10RB (IFNAR2-IL10RB readthrough; plus strand), IL10RB (interleukin 10 receptor subunit beta; plus strand). Cytogenetic location: 21q22.11.
Variant type: single nucleotide variant.
Coding change: c.970C>T on transcript NM_000628.5 (MANE Select); coding-DNA position 970, C replaced by T.
Protein change: p.Gln324Ter; replaces glutamine 324 with a stop codon.
Molecular consequence: nonsense.
Genome position (GRCh38, 1-based): chr21:33,296,349, C>T. VCF-style: chr21-33296349-C-T. GRCh37 (hg19) VCF-style: chr21-34668654-C-T.
Other names: short protein forms Q324*.
Identifiers: ClinVar variation 1040010 (VCV001040010.7), dbSNP rs2082966126, ClinGen allele CA410097283.
Genomic context (GRCh38, chr21:33,296,349, plus strand): 5'-AGCGGCAAGCAGAATCCTGGTGACAGCTGCAGCCTCGGGACCCCGCCTGGGCAGGGGCCC[C>T]AAAGCTAGGCTCTGAGAAGGAAACACACTCGGCTGGGCACAGTGACGTACTCCATCTCAC-3'

ClinVar aggregate classification (germline): Uncertain significance (1 of 4 stars; one submission).

Conditions:
Inflammatory bowel disease 25. Also called: Inflammatory bowel disease 25, early onset, autosomal recessive. Identifiers: Orphanet 238569, MedGen C2675508, MONDO:0012941, OMIM 612567.

Submission:

Labcorp Genetics (formerly Invitae), Labcorp
Classification: Uncertain significance for Inflammatory bowel disease 25. Last evaluated: 2020-10-02. Review status: criteria provided, single submitter. Criteria: Invitae Variant Classification Sherloc (09022015). Collection method: clinical testing. Allele origin: germline.
Comment: This sequence change results in a premature translational stop signal in the IL10RB gene (p.Gln324*). While this is not anticipated to result in nonsense mediated decay, it is expected to disrupt the last 2 amino acid(s) of the IL10RB protein. This variant is not present in population databases (ExAC no frequency). This variant has not been reported in the literature in individuals with IL10RB-related conditions. Experimental studies and prediction algorithms are not available or were not evaluated, and the functional significance of this variant is currently unknown. In summary, the available evidence is currently insufficient to determine the role of this variant in disease. Therefore, it has been classified as a Variant of Uncertain Significance.